The following is an entry in ClinVar:

NM_006005.3(WFS1):c.510C>G (p.Thr170=)

Gene: WFS1 (wolframin ER transmembrane glycoprotein; plus strand). Cytogenetic location: 4p16.1.
Variant type: single nucleotide variant.
Coding change: c.510C>G on transcript NM_006005.3 (MANE Select); coding-DNA position 510, C replaced by G.
Protein change: p.Thr170=; no amino-acid change (threonine 170 retained).
Molecular consequence: synonymous variant.
Genome position (GRCh38, 1-based): chr4:6,291,246, C>G. VCF-style: chr4-6291246-C-G. GRCh37 (hg19) VCF-style: chr4-6292973-C-G.
Other names: c.510C>G, p.Thr170= (NM_001145853.1).
Identifiers: ClinVar variation 215353 (VCV000215353.21), dbSNP rs151277039, ClinGen allele CA321835.

ClinVar aggregate classification (germline): Benign/Likely benign. Review status: criteria provided, multiple submitters, no conflicts (2 of 4 stars). 8 submissions from 7 submitters: Benign (7); Likely benign (1). Last evaluated 2026-01-12.

Conditions:
WFS1-Related Spectrum Disorders.
Wolfram syndrome 1 (WFS1). Identifiers: Orphanet 3463, MedGen C4551693, MONDO:0009101, OMIM 222300.
Autosomal dominant nonsyndromic hearing loss 6 (LFSNHL). Also called: DEAFNESS, AUTOSOMAL DOMINANT 6; DEAFNESS, AUTOSOMAL DOMINANT 14; DEAFNESS, AUTOSOMAL DOMINANT 38; Autosomal dominant nonsyndromic deafness 6. Identifiers: Orphanet 90635, MedGen C1833021, MONDO:0010963, OMIM 600965.

Allele frequency attached by ClinVar (database versions not stated): TOPMed 0.00103; 1000 Genomes Project 0.00280; 1000 Genomes Project 30x 0.00297.
gnomAD v4.1: 429 of 1,613,190 alleles (0.027%); highest among the groups gnomAD compares: East Asian, 0.9%; 1 homozygote.

Submissions (8):

Labcorp Genetics (formerly Invitae), Labcorp
Classification: Benign. Last evaluated: 2026-01-12. Review status: criteria provided, single submitter. Criteria: Invitae Variant Classification Sherloc (09022015). Collection method: clinical testing. Allele origin: germline.

Blueprint Genetics
Classification: Likely benign. Last evaluated: 2024-11-25. Review status: criteria provided, single submitter. Criteria: ACMG Guidelines, 2015. Collection method: clinical testing. Allele origin: germline.

Illumina Laboratory Services, Illumina
Classification: Benign for Autosomal dominant nonsyndromic hearing loss 6. Last evaluated: 2018-01-13. Review status: criteria provided, single submitter. Criteria: ICSL Variant Classification Criteria 13 December 2019. Collection method: clinical testing. Allele origin: germline.
Comment: This variant was observed in the ICSL laboratory as part of a predisposition screen in an ostensibly healthy population. It had not been previously curated by ICSL or reported in the Human Gene Mutation Database (HGMD: prior to June 1st, 2018), and was therefore a candidate for classification through an automated scoring system. Utilizing variant allele frequency, disease prevalence and penetrance estimates, and inheritance mode, an automated score was calculated to assess if this variant is too frequent to cause the disease. Based on the score and internal cut-off values, a variant classified as benign is not then subjected to further curation. The score for this variant resulted in a classification of benign for this disease.

Illumina Laboratory Services, Illumina
Classification: Benign for WFS1-Related Spectrum Disorders. Last evaluated: 2018-01-13. Review status: criteria provided, single submitter. Criteria: ICSL Variant Classification Criteria 13 December 2019. Collection method: clinical testing. Allele origin: germline.
Comment: the same text as in the submission from Illumina Laboratory Services, Illumina above.

Laboratory for Molecular Medicine, Mass General Brigham Personalized Medicine
Classification: Benign. Last evaluated: 2017-08-23. Review status: criteria provided, single submitter. Criteria: LMM Criteria. Collection method: clinical testing. Allele origin: germline. Observed: 1 variant allele.
Comment: p.Thr170Thr in exon 5 of WFS1: This variant is not expected to have clinical sig nificance because it does not alter an amino acid residue, is not located within the splice consensus sequence, and has been identified in 1.15% (99/8624) of Ea st Asian chromosomes by the Exome Aggregation Consortium (ExAC; dbSNP rs151277039).

GeneDx
Classification: Benign. Last evaluated: 2014-11-14. Review status: criteria provided, single submitter. Criteria: GeneDx Variant Classification (06012015). Collection method: clinical testing. Allele origin: germline. Affected: yes.
Comment: This variant is considered likely benign or benign based on one or more of the following criteria: it is a conservative change, it occurs at a poorly conserved position in the protein, it is predicted to be benign by multiple in silico algorithms, and/or has population frequency not consistent with disease.

Breakthrough Genomics
Classification: Benign. Review status: criteria provided, single submitter. Criteria: ACMG Guidelines, 2015. Collection method: not provided. Allele origin: germline. Inheritance: Autosomal recessive inheritance. Affected: yes.

Clinical Genomics, Uppaluri K&H Personalized Medicine Clinic
Classification: Benign for Wolfram syndrome 1. Review status: criteria provided, single submitter. Criteria: K & H Uppaluri Personalized Medicine Clinic Variant Classification & Assertion Criteria_Updated V.1. Collection method: research. Allele origin: unknown. Inheritance: Autosomal recessive inheritance.
Comment: Potent mutations in WFS1 gene are associated with Wolfram's syndrome, an autosomal recessive condition, which cause diabetes mellitus, diabetes insipidus, deafness and optic atrophy. However no sufficient evidence is found to ascertain the role of this particular variant rs151277039 in Wolfram's syndrome yet.

Literature cited by the submitters: PubMed 20738327 (cited by Clinical Genomics, Uppaluri K&H Personalized Medicine Clinic); PubMed 33879153 (cited by Clinical Genomics, Uppaluri K&H Personalized Medicine Clinic); PubMed 12955714 (cited by Clinical Genomics, Uppaluri K&H Personalized Medicine Clinic); PubMed 18060660 (cited by Clinical Genomics, Uppaluri K&H Personalized Medicine Clinic); PubMed 20301750 (cited by Clinical Genomics, Uppaluri K&H Personalized Medicine Clinic); PubMed 17603484 (cited by Clinical Genomics, Uppaluri K&H Personalized Medicine Clinic).